The following is an entry in ClinVar:

NM_004699.4(FAM50A):c.570G>T (p.Lys190Asn)

Gene: FAM50A (family with sequence similarity 50 member A; plus strand). Cytogenetic location: Xq28.
Variant type: single nucleotide variant.
Coding change: c.570G>T on transcript NM_004699.4 (MANE Select); coding-DNA position 570, G replaced by T.
Protein change: p.Lys190Asn; replaces lysine 190 with asparagine.
Molecular consequence: missense variant.
Genome position (GRCh38, 1-based): chrX:154,448,740, G>T. VCF-style: chrX-154448740-G-T. GRCh37 (hg19) VCF-style: chrX-153677088-G-T.
Other names: short protein forms K190N.
Identifiers: ClinVar variation 2506758 (VCV002506758.1), dbSNP rs782659963, ClinGen allele CA415217269.

ClinVar aggregate classification (germline): Uncertain significance (1 of 4 stars; one submission).

gnomAD v4.1: 4 of 1,210,187 alleles (0.00033%); highest among the groups gnomAD compares: Non-Finnish European, 0.00045%; no homozygotes.

Submission:

GeneDx
Classification: Uncertain significance. Last evaluated: 2022-12-23. Review status: criteria provided, single submitter. Criteria: GeneDx Variant Classification Process June 2021. Collection method: clinical testing. Allele origin: germline. Affected: yes.
Comment: Not observed at significant frequency in large population cohorts (gnomAD); In silico analysis supports that this missense variant has a deleterious effect on protein structure/function; Has not been previously published as pathogenic or benign to our knowledge